The following is an entry in ClinVar:

NM_001384474.1(LOXHD1):c.5212G>A (p.Gly1738Ser)

Gene: LOXHD1 (lipoxygenase homology PLAT domains 1; minus strand). Cytogenetic location: 18q21.1.
Variant type: single nucleotide variant.
Coding change: c.5212G>A on transcript NM_001384474.1 (MANE Select); coding-DNA position 5212, G replaced by A.
Protein change: p.Gly1738Ser; replaces glycine 1738 with serine.
Molecular consequence: missense variant. On other transcripts: intron variant (1).
Genome position (GRCh38, 1-based): chr18:46,521,156, C>T on the plus strand (G>A on the coding strand, the complement: LOXHD1 is on the minus strand). VCF-style: chr18-46521156-C-T. GRCh37 (hg19) VCF-style: chr18-44101119-C-T.
Other names: c.1879G>A, p.Gly627Ser (NM_001145472.3); c.1591G>A, p.Gly531Ser (NM_001308013.2); c.5085+945G>A (NM_144612.7); c.1591G>A (NM_001308013.1); short protein forms G627S, G531S, G1738S.
Identifiers: ClinVar variation 747886 (VCV000747886.4), dbSNP rs988558662, ClinGen allele CA299800716.

ClinVar aggregate classification (germline): Conflicting classifications of pathogenicity. Review status: criteria provided, conflicting classifications (1 of 4 stars). 2 submissions from 2 submitters: Uncertain significance (1); Likely benign (1). Last evaluated 2025-06-25.

Conditions:
LOXHD1-related disorder. Also called: LOXHD1-related condition.

Allele frequency attached by ClinVar (database versions not stated): gnomAD exomes 0.00002 and 0.00005; gnomAD 0.00003; TOPMed 0.00003.
gnomAD v4.1: 26 of 1,551,588 alleles (0.0017%); highest among the groups gnomAD compares: Admixed American, 0.014%; no homozygotes.

Submissions (2):

PreventionGenetics, part of Exact Sciences
Classification: Uncertain significance for LOXHD1-related condition. Last evaluated: 2025-06-25. Review status: criteria provided, single submitter. Criteria: ACMG Guidelines, 2015. Collection method: clinical testing. Allele origin: germline.
Comment: The LOXHD1 c.1591G>A variant is predicted to result in the amino acid substitution p.Gly531Ser. To our knowledge, this variant has not been reported in the literature. This variant is reported in 0.018% of alleles in individuals of East Asian descent in gnomAD. At this time, the clinical significance of this variant is uncertain due to the absence of conclusive functional and genetic evidence.

Labcorp Genetics (formerly Invitae), Labcorp
Classification: Likely benign. Last evaluated: 2018-06-25. Review status: criteria provided, single submitter. Criteria: Invitae Variant Classification Sherloc (09022015). Collection method: clinical testing. Allele origin: germline.